The following is an entry in ClinVar:

NM_003803.4(MYOM1):c.4192A>C (p.Ile1398Leu)

Gene: MYOM1 (myomesin 1; minus strand). Cytogenetic location: 18p11.31.
Variant type: single nucleotide variant.
Coding change: c.4192A>C on transcript NM_003803.4 (MANE Select); coding-DNA position 4192, A replaced by C.
Protein change: p.Ile1398Leu; replaces isoleucine 1398 with leucine.
Molecular consequence: missense variant.
Genome position (GRCh38, 1-based): chr18:3,086,097, T>G on the plus strand (A>C on the coding strand, the complement: MYOM1 is on the minus strand). VCF-style: chr18-3086097-T-G. GRCh37 (hg19) VCF-style: chr18-3086095-T-G.
Other names: c.3904A>C, p.Ile1302Leu (NM_019856.2); c.4192A>C (NM_003803.3); short protein forms I1302L, I1398L.
Identifiers: ClinVar variation 1013873 (VCV001013873.9), dbSNP rs377324484, ClinGen allele CA401710948.
Genomic context (GRCh38, chr18:3,086,097, plus strand): 5'-CCTCTGTTATAAGCAGGGTACATATACCATCCTTAAAGTCATGCTTTTCATCCACTGATA[T>G]CTCCCTCTCATCTTTGTACCACACAATATGAGTCTCCTTCTTAATATTTGCCACCTAGGA-3'
Protein context (NP_003794.3, residues 1388-1408): HIVWYKDERE[Ile1398Leu]SVDEKHDFKD

ClinVar aggregate classification (germline): Uncertain significance. Review status: criteria provided, multiple submitters, no conflicts (2 of 4 stars). 2 submissions from 2 submitters: Uncertain significance (2). Last evaluated 2024-11-11.

Conditions:
Hypertrophic cardiomyopathy. Also called: HYPERTROPHIC MYOCARDIOPATHY. Identifiers: Orphanet 217569, MedGen C0007194, MeSH D002312, MONDO:0005045, HP:0001639.

gnomAD v4.1: 3 of 1,612,238 alleles (0.00019%); highest among the groups gnomAD compares: South Asian, 0.0033%; no homozygotes.

Submissions (2):

Ambry Genetics
Classification: Uncertain significance. Last evaluated: 2024-11-11. Review status: criteria provided, single submitter. Criteria: Ambry Variant Classification Scheme 2023. Collection method: clinical testing. Allele origin: germline.

Labcorp Genetics (formerly Invitae), Labcorp
Classification: Uncertain significance for Hypertrophic cardiomyopathy. Last evaluated: 2023-03-22. Review status: criteria provided, single submitter. Criteria: Invitae Variant Classification Sherloc (09022015). Collection method: clinical testing. Allele origin: germline.
Comment: This sequence change replaces isoleucine, which is neutral and non-polar, with leucine, which is neutral and non-polar, at codon 1398 of the MYOM1 protein (p.Ile1398Leu). This variant is not present in population databases (gnomAD no frequency). This variant has not been reported in the literature in individuals affected with MYOM1-related conditions. ClinVar contains an entry for this variant (Variation ID: 1013873). Advanced modeling of protein sequence and biophysical properties (such as structural, functional, and spatial information, amino acid conservation, physicochemical variation, residue mobility, and thermodynamic stability) performed at Invitae indicates that this missense variant is not expected to disrupt MYOM1 protein function. In summary, the available evidence is currently insufficient to determine the role of this variant in disease. Therefore, it has been classified as a Variant of Uncertain Significance.